The following is an entry in ClinVar:

NM_001367949.2(FAT3):c.8865C>T (p.Asp2955=)

Gene: FAT3 (FAT atypical cadherin 3; plus strand). Cytogenetic location: 11q14.3.
Variant type: single nucleotide variant.
Coding change: c.8865C>T on transcript NM_001367949.2 (MANE Select); coding-DNA position 8865, C replaced by T.
Protein change: p.Asp2955=; no amino-acid change (aspartic acid 2955 retained).
Molecular consequence: synonymous variant.
Genome position (GRCh38, 1-based): chr11:92,801,878, C>T. VCF-style: chr11-92801878-C-T. GRCh37 (hg19) VCF-style: chr11-92535044-C-T.
Other names: c.8865C>T, p.Asp2955= (NM_001008781.3).
Identifiers: ClinVar variation 3049064 (VCV003049064.2), dbSNP rs144368265, ClinGen allele CA6227722.

ClinVar aggregate classification (germline): Benign (0 of 4 stars; one submission).

Conditions:
FAT3-related disorder. Also called: FAT3-related condition.

Allele frequency attached by ClinVar (database versions not stated): gnomAD exomes 0.00029; ExAC 0.00068; 1000 Genomes Project 30x 0.00234; 1000 Genomes Project 0.00240; gnomAD 0.00259; TOPMed 0.00293; ESP Exome Variant Server 0.00327.
gnomAD v4.1: 824 of 1,613,810 alleles (0.051%); highest among the groups gnomAD compares: African/African-American, 0.99%; 8 homozygotes.

Submission:

PreventionGenetics, part of Exact Sciences
Classification: Benign for FAT3-related condition. Last evaluated: 2020-01-06. Review status: no assertion criteria provided. Collection method: clinical testing. Allele origin: germline.
Comment: This variant is classified as benign based on ACMG/AMP sequence variant interpretation guidelines (Richards et al. 2015 PMID: 25741868, with internal and published modifications).